The following is an entry in ClinVar:

NM_003737.4(DCHS1):c.6862+3G>A

Gene: DCHS1 (dachsous cadherin-related 1; minus strand). Cytogenetic location: 11p15.4.
Variant type: single nucleotide variant.
Coding change: c.6862+3G>A on transcript NM_003737.4 (MANE Select); 3 bases into the intron after coding-DNA position 6862, G replaced by A.
Molecular consequence: intron variant.
Genome position (GRCh38, 1-based): chr11:6,625,594, C>T on the plus strand (G>A on the coding strand, the complement: DCHS1 is on the minus strand). VCF-style: chr11-6625594-C-T. GRCh37 (hg19) VCF-style: chr11-6646825-C-T.
Other names: c.6862+3G>A (NM_003737.3).
Identifiers: ClinVar variation 1449320 (VCV001449320.8), dbSNP rs372790879, ClinGen allele CA5859755.

ClinVar aggregate classification (germline): Uncertain significance. Review status: criteria provided, single submitter (1 of 4 stars). 2 submissions from 2 submitters: Uncertain significance (1). 1 of the submissions does not count toward it. Last evaluated 2024-12-26.

Conditions:
DCHS1-related disorder. Also called: DCHS1-related condition.

Allele frequency attached by ClinVar (database versions not stated): gnomAD exomes 0.00001 and 0.00004; ExAC 0.00005; ESP Exome Variant Server 0.00008; TOPMed 0.00024; gnomAD 0.00027 and 0.00030.
gnomAD v4.1: 60 of 1,613,516 alleles (0.0037%); highest among the groups gnomAD compares: African/African-American, 0.06%; no homozygotes.

Submissions (2):

Labcorp Genetics (formerly Invitae), Labcorp
Classification: Uncertain significance. Last evaluated: 2024-12-26. Review status: criteria provided, single submitter. Criteria: Invitae Variant Classification Sherloc (09022015). Collection method: clinical testing. Allele origin: germline.
Comment: This sequence change falls in intron 18 of the DCHS1 gene. It does not directly change the encoded amino acid sequence of the DCHS1 protein. It affects a nucleotide within the consensus splice site. This variant is present in population databases (rs372790879, gnomAD 0.06%). This variant has not been reported in the literature in individuals affected with DCHS1-related conditions. ClinVar contains an entry for this variant (Variation ID: 1449320). Variants that disrupt the consensus splice site are a relatively common cause of aberrant splicing (PMID: 17576681, 9536098). Algorithms developed to predict the effect of sequence changes on RNA splicing suggest that this variant is not likely to affect RNA splicing. In summary, the available evidence is currently insufficient to determine the role of this variant in disease. Therefore, it has been classified as a Variant of Uncertain Significance.

PreventionGenetics, part of Exact Sciences
Classification: Likely benign for DCHS1-related condition. Last evaluated: 2019-05-01. Review status: no assertion criteria provided. Collection method: clinical testing. Allele origin: germline. Not counted in ClinVar's aggregate classification.
Comment: This variant is classified as likely benign based on ACMG/AMP sequence variant interpretation guidelines (Richards et al. 2015 PMID: 25741868, with internal and published modifications).

Literature cited by the submitters: PubMed 17576681 (cited by Labcorp Genetics (formerly Invitae), Labcorp); PubMed 9536098 (cited by Labcorp Genetics (formerly Invitae), Labcorp).